The following is an entry in ClinVar:

NM_001267550.2(TTN):c.7573A>G (p.Asn2525Asp)

Gene: TTN (titin; minus strand). Cytogenetic location: 2q31.2.
Variant type: single nucleotide variant.
Coding change: c.7573A>G on transcript NM_001267550.2 (MANE Select); coding-DNA position 7573, A replaced by G.
Protein change: p.Asn2525Asp; replaces asparagine 2525 with aspartic acid.
Molecular consequence: missense variant.
Genome position (GRCh38, 1-based): chr2:178,773,483, T>C on the plus strand (A>G on the coding strand, the complement: TTN is on the minus strand). VCF-style: chr2-178773483-T-C. GRCh37 (hg19) VCF-style: chr2-179638210-T-C.
Other names: c.7573A>G, p.Asn2525Asp (NM_001256850.1, NM_133378.4, NM_133379.5); c.7435A>G, p.Asn2479Asp (NM_003319.4, NM_133432.3, NM_133437.4); short protein forms N2525D, N2479D.
Identifiers: ClinVar variation 1758902 (VCV001758902.2), dbSNP rs935907056, ClinGen allele CA61006319.

ClinVar aggregate classification (germline): Uncertain significance (1 of 4 stars; one submission).

Conditions:
Cardiovascular phenotype. Identifiers: MedGen CN230736.

Allele frequency attached by ClinVar (database versions not stated): gnomAD exomes below 0.00001.
gnomAD v4.1: 6 of 1,614,054 alleles (0.00037%); highest among the groups gnomAD compares: East Asian, 0.011%; no homozygotes.

Submission:

Ambry Genetics
Classification: Uncertain significance for Cardiovascular phenotype. Last evaluated: 2019-03-27. Review status: criteria provided, single submitter. Criteria: Ambry Variant Classification Scheme 2023. Collection method: clinical testing. Allele origin: germline.
Comment: The p.N2479D variant (also known as c.7435A>G), located in coding exon 30 of the TTN gene, results from an A to G substitution at nucleotide position 7435. The asparagine at codon 2479 is replaced by aspartic acid, an amino acid with highly similar properties. This amino acid position is poorly conserved in available vertebrate species. In addition, this alteration is predicted to be tolerated by in silico analysis. Since supporting evidence is limited at this time, the clinical significance of this alteration remains unclear.